The following is an entry in ClinVar:

ClinVar aggregate classification (germline): Conflicting classifications of pathogenicity. Review status: criteria provided, conflicting classifications (1 of 4 stars). 8 submissions from 8 submitters: Uncertain significance (7); Likely benign (1). Last evaluated 2026-02-02.

Conditions:
APC-related disorder. Also called: APC-related condition.
Classic or attenuated familial adenomatous polyposis. Identifiers: MedGen CN372698, MONDO:0021057.
Hereditary cancer-predisposing syndrome. Also called: Neoplastic Syndromes, Hereditary; Hereditary Cancer Syndrome; Tumor predisposition; Hereditary neoplastic syndrome. Identifiers: Orphanet 140162, MedGen C0027672, MeSH D009386, MONDO:0015356.
Familial adenomatous polyposis 1 (FAP1). Also called: FAMILIAL ADENOMATOUS POLYPOSIS 1, ATTENUATED; POLYPOSIS, ADENOMATOUS INTESTINAL. Identifiers: MedGen C2713442, MONDO:0021056, OMIM 175100. Disease mechanism: loss of function.

Allele frequency attached by ClinVar (database versions not stated): ExAC 0.00001; gnomAD 0.00001; gnomAD exomes 0.00001 and 0.00003; TOPMed 0.00003.
gnomAD v4.1: 42 of 1,613,758 alleles (0.0026%); highest among the groups gnomAD compares: Non-Finnish European, 0.0034%; no homozygotes.

Submissions (8):

Labcorp Genetics (formerly Invitae), Labcorp
Classification: Uncertain significance for Familial adenomatous polyposis 1. Last evaluated: 2026-02-02. Review status: criteria provided, single submitter. Criteria: Invitae Variant Classification Sherloc (09022015). Collection method: clinical testing. Allele origin: germline.
Comment: This sequence change replaces aspartic acid, which is acidic and polar, with glycine, which is neutral and non-polar, at codon 2082 of the APC protein (p.Asp2082Gly). This variant is present in population databases (rs554370603, gnomAD 0.006%). This variant has not been reported in the literature in individuals affected with APC-related conditions. ClinVar contains an entry for this variant (Variation ID: 482252). Invitae Evidence Modeling of protein sequence and biophysical properties (such as structural, functional, and spatial information, amino acid conservation, physicochemical variation, residue mobility, and thermodynamic stability) indicates that this missense variant is not expected to disrupt APC protein function with a negative predictive value of 95%. RNA analysis performed to evaluate the impact of this missense change on mRNA splicing indicates it does not significantly alter splicing (internal data). In summary, the available evidence is currently insufficient to determine the role of this variant in disease. Therefore, it has been classified as a Variant of Uncertain Significance.

PreventionGenetics, part of Exact Sciences
Classification: Uncertain significance for APC-related condition. Last evaluated: 2025-12-19. Review status: criteria provided, single submitter. Criteria: ACMG Guidelines, 2015. Collection method: clinical testing. Allele origin: germline.
Comment: The APC c.6245A>G variant is predicted to result in the amino acid substitution p.Asp2082Gly. To our knowledge, this variant has not been reported in the literature. This variant is reported in 0.0054% of alleles in individuals of East Asian descent in gnomAD and has conflicting interpretations in ClinVar ranging from uncertain to likely benign (Variation ID: 482252). At this time, the clinical significance of this variant is uncertain due to the absence of conclusive functional and genetic evidence.

All of Us Research Program, National Institutes of Health
Classification: Uncertain significance for Classic or attenuated familial adenomatous polyposis. Last evaluated: 2024-09-23. Review status: criteria provided, single submitter. Criteria: ACMG Guidelines, 2015. Collection method: clinical testing. Allele origin: germline. Inheritance: Autosomal dominant inheritance. Observed: 8 variant alleles, 8 heterozygotes.
Comment: This missense variant replaces aspartic acid with glycine at codon 2082 of the APC protein. Computational prediction suggests that this variant may not impact protein structure and function (internally defined REVEL score threshold <= 0.5, PMID: 27666373). To our knowledge, functional studies have not been reported for this variant. This variant has not been reported in individuals affected with APC-related disorders in the literature. This variant has been identified in 3/250622 chromosomes in the general population by the Genome Aggregation Database (gnomAD). The available evidence is insufficient to determine the role of this variant in disease conclusively. Therefore, this variant is classified as a Variant of Uncertain Significance.

This study involves interpretation of variants in research participants for the purpose of population health screening. Participant phenotype was not available at the time of variant classification. Additional details can be found in publication PMID: 35346344, PMCID: PMC8962531

Ambry Genetics
Classification: Likely benign for Hereditary cancer-predisposing syndrome. Last evaluated: 2024-09-05. Review status: criteria provided, single submitter. Criteria: Ambry Variant Classification Scheme 2023. Collection method: clinical testing. Allele origin: germline.

Color Diagnostics, LLC DBA Color Health
Classification: Uncertain significance for Hereditary cancer-predisposing syndrome. Last evaluated: 2024-07-10. Review status: criteria provided, single submitter. Criteria: ACMG Guidelines, 2015. Collection method: clinical testing. Allele origin: germline.
Comment: This missense variant replaces aspartic acid with glycine at codon 2082 of the APC protein. Computational prediction suggests that this variant may not impact protein structure and function (internally defined REVEL score threshold <= 0.5, PMID: 27666373). To our knowledge, functional studies have not been reported for this variant. This variant has not been reported in individuals affected with APC-related disorders in the literature. This variant has been identified in 3/250622 chromosomes in the general population by the Genome Aggregation Database (gnomAD). The available evidence is insufficient to determine the role of this variant in disease conclusively. Therefore, this variant is classified as a Variant of Uncertain Significance.

GeneDx
Classification: Uncertain significance. Last evaluated: 2024-05-13. Review status: criteria provided, single submitter. Criteria: GeneDx Variant Classification Process June 2021. Collection method: clinical testing. Allele origin: germline.
Comment: Not observed at significant frequency in large population cohorts (gnomAD); In silico analysis supports that this missense variant does not alter protein structure/function; Has not been previously published as pathogenic or benign to our knowledge; This variant is associated with the following publications: (PMID: 28002797)

Baylor Genetics
Classification: Uncertain significance for Familial adenomatous polyposis 1. Last evaluated: 2023-08-10. Review status: criteria provided, single submitter. Criteria: ACMG Guidelines, 2015. Collection method: clinical testing. Allele origin: unknown.

Quest Diagnostics Nichols Institute San Juan Capistrano
Classification: Uncertain significance. Last evaluated: 2017-09-18. Review status: criteria provided, single submitter. Criteria: Quest Diagnostics criteria. Collection method: clinical testing. Allele origin: germline.

Literature cited by the submitters: PubMed 26681312 (cited by Ambry Genetics).

NM_000038.6(APC):c.6245A>G (p.Asp2082Gly)

Gene: APC (APC regulator of Wnt signaling pathway; plus strand). Cytogenetic location: 5q22.2.
Variant type: single nucleotide variant.
Coding change: c.6245A>G on transcript NM_000038.6 (MANE Select); coding-DNA position 6245, A replaced by G.
Protein change: p.Asp2082Gly; replaces aspartic acid 2082 with glycine.
Molecular consequence: missense variant.
Genome position (GRCh38, 1-based): chr5:112,841,839, A>G. VCF-style: chr5-112841839-A-G. GRCh37 (hg19) VCF-style: chr5-112177536-A-G.
Other names: c.6245A>G, p.Asp2082Gly (NM_001127510.3, NM_001354895.2); c.6191A>G, p.Asp2064Gly (NM_001127511.3); c.6299A>G, p.Asp2100Gly (NM_001354896.2); c.6275A>G, p.Asp2092Gly (NM_001354897.2); c.6170A>G, p.Asp2057Gly (NM_001354898.2); c.6161A>G, p.Asp2054Gly (NM_001354899.2); c.6122A>G, p.Asp2041Gly (NM_001354900.2); c.6068A>G, p.Asp2023Gly (NM_001354901.2); and 5 more; short protein forms D2082G, D2064G, D2023G, D2054G, D1991G, D2100G, D1799G, D1956G.
Identifiers: ClinVar variation 482252 (VCV000482252.68), dbSNP rs554370603, ClinGen allele CA044164.